The following is an entry in ClinVar:

NM_001035.3(RYR2):c.13472T>G (p.Leu4491Arg)

Gene: RYR2 (ryanodine receptor 2; plus strand). Cytogenetic location: 1q43.
Variant type: single nucleotide variant.
Coding change: c.13472T>G on transcript NM_001035.3 (MANE Select); coding-DNA position 13472, T replaced by G.
Protein change: p.Leu4491Arg; replaces leucine 4491 with arginine.
Molecular consequence: missense variant.
Genome position (GRCh38, 1-based): chr1:237,788,131, T>G. VCF-style: chr1-237788131-T-G. GRCh37 (hg19) VCF-style: chr1-237951431-T-G.
Other names: short protein forms L4491R.
Identifiers: ClinVar variation 4825542 (VCV004825542.1).
Genomic context (GRCh38, chr1:237,788,131, plus strand): 5'-GAGAACCAGAAGTGCCAGAGTCAGCATTCTGGAAGAAAATCATAGCATATCAACAGAAAC[T>G]TCTAGTAAGATGTTTTAGAATGAATATTGTTACTGATATAGTGCAATACCGTAATAATTT-3'
Protein context (NP_001026.2, residues 4481-4501): WKKIIAYQQK[Leu4491Arg]LNYFARNFYN

ClinVar aggregate classification (germline): Uncertain significance (1 of 4 stars; one submission).

Conditions:
Cardiovascular phenotype. Identifiers: MedGen CN230736.

gnomAD v4.1: 1 of 1,606,912 alleles (0.000062%); highest among the groups gnomAD compares: Non-Finnish European, 0.000085%; no homozygotes.

Submission:

Ambry Genetics
Classification: Uncertain significance for Cardiovascular phenotype. Last evaluated: 2026-01-25. Review status: criteria provided, single submitter. Criteria: Ambry Variant Classification Scheme 2023. Collection method: clinical testing. Allele origin: germline.
Comment: The p.L4491R variant (also known as c.13472T>G), located in coding exon 92 of the RYR2 gene, results from a T to G substitution at nucleotide position 13472. The leucine at codon 4491 is replaced by arginine, an amino acid with dissimilar properties. This amino acid position is conserved. In addition, this alteration is predicted to be deleterious by in silico analysis. Based on the available evidence, the clinical significance of this variant remains unclear.